The following is an entry in ClinVar:

ClinVar aggregate classification (germline): Conflicting classifications of pathogenicity. Review status: criteria provided, conflicting classifications (1 of 4 stars). 2 submissions from 2 submitters: Uncertain significance (1); Likely benign (1). Last evaluated 2024-08-15.

Conditions:
Inborn genetic diseases. Identifiers: MedGen C0950123, MeSH D030342.

Allele frequency attached by ClinVar (database versions not stated): ExAC 0.00007; 1000 Genomes Project 30x 0.00016; ESP Exome Variant Server 0.00023; TOPMed 0.00026; gnomAD 0.00033.
gnomAD v4.1: 125 of 1,614,176 alleles (0.0077%); highest among the groups gnomAD compares: African/African-American, 0.11%; no homozygotes.

Submissions (2):

GeneDx
Classification: Uncertain significance. Last evaluated: 2024-08-15. Review status: criteria provided, single submitter. Criteria: GeneDx Variant Classification Process June 2021. Collection method: clinical testing. Allele origin: germline. Affected: yes.
Comment: In silico analysis indicates that this missense variant does not alter protein structure/function; Has not been previously published as pathogenic or benign to our knowledge

Ambry Genetics
Classification: Likely benign for Inborn genetic diseases. Last evaluated: 2022-04-21. Review status: criteria provided, single submitter. Criteria: Ambry Variant Classification Scheme 2023. Collection method: clinical testing. Allele origin: germline.

NM_014967.5(FAN1):c.1111G>A (p.Gly371Ser)

Gene: FAN1 (FANCD2 and FANCI associated nuclease 1; plus strand). Cytogenetic location: 15q13.3.
Variant type: single nucleotide variant.
Coding change: c.1111G>A on transcript NM_014967.5 (MANE Select); coding-DNA position 1111, G replaced by A.
Protein change: p.Gly371Ser; replaces glycine 371 with serine.
Molecular consequence: missense variant.
Genome position (GRCh38, 1-based): chr15:30,905,774, G>A. VCF-style: chr15-30905774-G-A. GRCh37 (hg19) VCF-style: chr15-31197977-G-A.
Other names: c.1111G>A, p.Gly371Ser (NM_001146094.2, NM_001146095.1, NM_001146096.2); short protein forms G371S.
Identifiers: ClinVar variation 2318550 (VCV002318550.3), dbSNP rs142597944, ClinGen allele CA7450188.